The following is an entry in ClinVar:

ClinVar aggregate classification (germline): Likely pathogenic (1 of 4 stars; one submission).

Submission:

Centre of Medical Genetics, University Hospital Muenster
Classification: Likely pathogenic. Review status: criteria provided, single submitter. Criteria: ACMG Guidelines, 2015. Collection method: clinical testing. Allele origin: de novo. Affected: yes. Observed: 1 variant allele, 1 heterozygote.
Comment: ACMG categories: PS2,PM2,PP2

NM_198503.5(KCNT2):c.560C>A (p.Ala187Asp)

Gene: KCNT2 (potassium sodium-activated channel subfamily T member 2; minus strand). Cytogenetic location: 1q31.3.
Variant type: single nucleotide variant.
Coding change: c.560C>A on transcript NM_198503.5 (MANE Select); coding-DNA position 560, C replaced by A.
Protein change: p.Ala187Asp; replaces alanine 187 with aspartic acid.
Molecular consequence: missense variant. On other transcripts: non-coding transcript variant (2).
Genome position (GRCh38, 1-based): chr1:196,465,371, G>T on the plus strand (C>A on the coding strand, the complement: KCNT2 is on the minus strand). VCF-style: chr1-196465371-G-T. GRCh37 (hg19) VCF-style: chr1-196434501-G-T.
Other names: c.560C>A, p.Ala187Asp (NM_001287819.3, NM_001287820.3); short protein forms A187D.
Identifiers: ClinVar variation 3383425 (VCV003383425.2).